The following is an entry in ClinVar:

NM_004517.4(ILK):c.255+4C>T

Genes: ILK (integrin linked kinase; plus strand), TAF10 (TATA-box binding protein associated factor 10; minus strand). Cytogenetic location: 11p15.4.
Variant type: single nucleotide variant.
Coding change: c.255+4C>T on transcript NM_004517.4 (MANE Select); 4 bases into the intron after coding-DNA position 255, C replaced by T.
Molecular consequence: intron variant. On other transcripts: 3 prime UTR variant (1).
Genome position (GRCh38, 1-based): chr11:6,608,215, C>T. VCF-style: chr11-6608215-C-T. GRCh37 (hg19) VCF-style: chr11-6629445-C-T.
Other names: c.*2707G>A (NM_006284.4); c.255+4C>T (NM_001014795.3, NM_001278441.2, NM_001014794.3); c.-147-179C>T (NM_001278442.2).
Identifiers: ClinVar variation 389142 (VCV000389142.15), dbSNP rs371539613, ClinGen allele CA5857982.

ClinVar aggregate classification (germline): Likely benign. Review status: criteria provided, multiple submitters, no conflicts (2 of 4 stars). 2 submissions from 2 submitters: Likely benign (2). Last evaluated 2025-09-20.

Conditions:
Primary familial hypertrophic cardiomyopathy (HCM). Identifiers: Orphanet 99739, MedGen C0949658, MeSH D024741, MONDO:0024573. Inheritance: Various modes of inheritance.

Allele frequency attached by ClinVar (database versions not stated): gnomAD 0.00008; gnomAD exomes 0.00008 and 0.00014; TOPMed 0.00012; ExAC 0.00014; ESP Exome Variant Server 0.00038.
gnomAD v4.1: 141 of 1,613,970 alleles (0.0087%); highest among the groups gnomAD compares: African/African-American, 0.004%; no homozygotes.

Submissions (2):

Labcorp Genetics (formerly Invitae), Labcorp
Classification: Likely benign for Primary familial hypertrophic cardiomyopathy. Last evaluated: 2025-09-20. Review status: criteria provided, single submitter. Criteria: Invitae Variant Classification Sherloc (09022015). Collection method: clinical testing. Allele origin: germline.

GeneDx
Classification: Likely benign. Last evaluated: 2019-09-13. Review status: criteria provided, single submitter. Criteria: GeneDx Variant Classification Process June 2021. Collection method: clinical testing. Allele origin: germline. Affected: yes.
Comment: This variant is associated with the following publications: (PMID: 28135719)